The following is an entry in ClinVar:

ClinVar aggregate classification (germline): Uncertain significance (1 of 4 stars; one submission).

Conditions:
Inborn genetic diseases. Identifiers: MedGen C0950123, MeSH D030342.

Submission:

Ambry Genetics
Classification: Uncertain significance for Inborn genetic diseases. Last evaluated: 2026-06-03. Review status: criteria provided, single submitter. Criteria: Ambry Variant Classification Scheme 2023. Collection method: clinical testing. Allele origin: germline.
Comment: The p.C1467R variant (also known as c.4399T>C), located in coding exon 1 of the SAMD9L gene, results from a T to C substitution at nucleotide position 4399. The cysteine at codon 1467 is replaced by arginine, an amino acid with highly dissimilar properties. This amino acid position is conserved. In addition, this alteration is predicted to be tolerated by in silico analysis. Based on the available evidence, the clinical significance of this variant remains unclear.

NM_152703.5(SAMD9L):c.4399T>C (p.Cys1467Arg)

Gene: SAMD9L (sterile alpha motif domain containing 9 like; minus strand). Cytogenetic location: 7q21.2.
Variant type: single nucleotide variant.
Coding change: c.4399T>C on transcript NM_152703.5 (MANE Select); coding-DNA position 4399, T replaced by C.
Protein change: p.Cys1467Arg; replaces cysteine 1467 with arginine.
Molecular consequence: missense variant.
Genome position (GRCh38, 1-based): chr7:93,131,573, A>G on the plus strand (T>C on the coding strand, the complement: SAMD9L is on the minus strand). VCF-style: chr7-93131573-A-G. GRCh37 (hg19) VCF-style: chr7-92760886-A-G.
Other names: c.4399T>C, p.Cys1467Arg (NM_001303496.3, NM_001303497.3, NM_001303498.3 and 5 more transcripts); short protein forms C1467R.
Identifiers: ClinVar variation 4864024 (VCV004864024.1).
Genomic context (GRCh38, chr7:93,131,573, plus strand): 5'-TACTGTTTAGACCCTTCCTTTTGCCCAGATAGAAAAGTGTGCTTGCCTGCTTGGACCTGC[A>G]CATGCGCTTGTACTGTCCCCTGAAGGATCTATTTAAGGATGAAACATACTTTTCTATTAG-3'
Protein context (NP_689916.2, residues 1457-1477): RSFRGQYKRM[Cys1467Arg]RSKQASTLFY